The following is an entry in ClinVar:

ClinVar aggregate classification (germline): Uncertain significance (1 of 4 stars; one submission).

Allele frequency attached by ClinVar (database versions not stated): ExAC 0.00001; TOPMed 0.00001; gnomAD 0.00002.

Submission:

Labcorp Genetics (formerly Invitae), Labcorp
Classification: Uncertain significance. Last evaluated: 2023-05-20. Review status: criteria provided, single submitter. Criteria: Invitae Variant Classification Sherloc (09022015). Collection method: clinical testing. Allele origin: germline.
Comment: This sequence change replaces glutamic acid, which is acidic and polar, with lysine, which is basic and polar, at codon 382 of the SON protein (p.Glu382Lys). This variant is present in population databases (rs754261064, gnomAD 0.008%). In summary, the available evidence is currently insufficient to determine the role of this variant in disease. Therefore, it has been classified as a Variant of Uncertain Significance. An algorithm developed to predict the effect of missense changes on protein structure and function (PolyPhen-2) suggests that this variant is likely to be disruptive. This variant has not been reported in the literature in individuals affected with SON-related conditions.

NM_138927.4(SON):c.1144G>A (p.Glu382Lys)

Gene: SON (SON DNA and RNA binding protein; plus strand). Cytogenetic location: 21q22.11.
Variant type: single nucleotide variant.
Coding change: c.1144G>A on transcript NM_138927.4 (MANE Select); coding-DNA position 1144, G replaced by A.
Protein change: p.Glu382Lys; replaces glutamic acid 382 with lysine.
Molecular consequence: missense variant. On other transcripts: non-coding transcript variant (1), intron variant (1).
Genome position (GRCh38, 1-based): chr21:33,550,375, G>A. VCF-style: chr21-33550375-G-A. GRCh37 (hg19) VCF-style: chr21-34922681-G-A.
Other names: c.1144G>A, p.Glu382Lys (NM_001291411.2, NM_001412133.1, NM_032195.3 and 2 more transcripts); c.244+3996G>A (NM_001291412.3); short protein forms E382K.
Identifiers: ClinVar variation 2862883 (VCV002862883.3), dbSNP rs754261064, ClinGen allele CA10008829.